The following is an entry in ClinVar:

NM_182914.3(SYNE2):c.2902C>T (p.Arg968Cys)

Gene: SYNE2 (spectrin repeat containing nuclear envelope protein 2; plus strand). Cytogenetic location: 14q23.2.
Variant type: single nucleotide variant.
Coding change: c.2902C>T on transcript NM_182914.3 (MANE Select); coding-DNA position 2902, C replaced by T.
Protein change: p.Arg968Cys; replaces arginine 968 with cysteine.
Molecular consequence: missense variant.
Genome position (GRCh38, 1-based): chr14:63,995,164, C>T. VCF-style: chr14-63995164-C-T. GRCh37 (hg19) VCF-style: chr14-64461882-C-T.
Other names: c.2902C>T (NM_182914.2); c.2902C>T, p.Arg968Cys (NM_015180.6); short protein forms R968C.
Identifiers: ClinVar variation 1489285 (VCV001489285.7), dbSNP rs758515221, ClinGen allele CA7219819.
Genomic context (GRCh38, chr14:63,995,164, plus strand): 5'-AAGCTTAGTGACAATATTTTAAAACTTGAAAAGCAAATAAATAAAGAAAAGAAACTTATC[C>T]GTAGAGGAAGGACCAAGGGTCTCATCAAAGAACATGAGGTACAATAAAGTGTTTCCACTT-3'
Protein context (NP_878918.2, residues 958-978): KQINKEKKLI[Arg968Cys]RGRTKGLIKE

ClinVar aggregate classification (germline): Uncertain significance. Review status: criteria provided, multiple submitters, no conflicts (2 of 4 stars). 2 submissions from 2 submitters: Uncertain significance (2). Last evaluated 2024-12-17.

Conditions:
Emery-Dreifuss muscular dystrophy 5, autosomal dominant (EDMD5). Also called: EMERY-DREIFUSS MUSCULAR DYSTROPHY 5. Identifiers: Orphanet 261, MedGen C2751805, MONDO:0013072, OMIM 612999.

Allele frequency attached by ClinVar (database versions not stated): ExAC 0.00003; TOPMed 0.00003; gnomAD 0.00004; gnomAD exomes 0.00004.
gnomAD v4.1: 68 of 1,605,920 alleles (0.0042%); highest among the groups gnomAD compares: East Asian, 0.063%; no homozygotes.

Submissions (2):

Labcorp Genetics (formerly Invitae), Labcorp
Classification: Uncertain significance for Emery-Dreifuss muscular dystrophy 5, autosomal dominant. Last evaluated: 2024-12-17. Review status: criteria provided, single submitter. Criteria: Invitae Variant Classification Sherloc (09022015). Collection method: clinical testing. Allele origin: germline.
Comment: This sequence change replaces arginine, which is basic and polar, with cysteine, which is neutral and slightly polar, at codon 968 of the SYNE2 protein (p.Arg968Cys). This variant is present in population databases (rs758515221, gnomAD 0.03%). This variant has not been reported in the literature in individuals affected with SYNE2-related conditions. ClinVar contains an entry for this variant (Variation ID: 1489285). An algorithm developed to predict the effect of missense changes on protein structure and function (PolyPhen-2) suggests that this variant is likely to be disruptive. In summary, the available evidence is currently insufficient to determine the role of this variant in disease. Therefore, it has been classified as a Variant of Uncertain Significance.

Ambry Genetics
Classification: Uncertain significance. Last evaluated: 2022-04-27. Review status: criteria provided, single submitter. Criteria: Ambry Variant Classification Scheme 2023. Collection method: clinical testing. Allele origin: germline.